The following is an entry in ClinVar:

ClinVar aggregate classification (germline): Uncertain significance (1 of 4 stars; one submission).

gnomAD v4.1: 1 of 1,497,168 alleles (0.000067%); highest among the groups gnomAD compares: Non-Finnish European, 0.000089%; no homozygotes.

Submission:

Labcorp Genetics (formerly Invitae), Labcorp
Classification: Uncertain significance. Last evaluated: 2023-08-04. Review status: criteria provided, single submitter. Criteria: Invitae Variant Classification Sherloc (09022015). Collection method: clinical testing. Allele origin: germline.
Comment: In summary, the available evidence is currently insufficient to determine the role of this variant in disease. Therefore, it has been classified as a Variant of Uncertain Significance. Advanced modeling of protein sequence and biophysical properties (such as structural, functional, and spatial information, amino acid conservation, physicochemical variation, residue mobility, and thermodynamic stability) performed at Invitae indicates that this missense variant is not expected to disrupt HMX1 protein function. ClinVar contains an entry for this variant (Variation ID: 2121577). This variant has not been reported in the literature in individuals affected with HMX1-related conditions. This variant is not present in population databases (gnomAD no frequency). This sequence change replaces alanine, which is neutral and non-polar, with serine, which is neutral and polar, at codon 188 of the HMX1 protein (p.Ala188Ser).

NM_018942.3(HMX1):c.562G>T (p.Ala188Ser)

Gene: HMX1 (H6 family homeobox 1; minus strand). Cytogenetic location: 4p16.1.
Variant type: single nucleotide variant.
Coding change: c.562G>T on transcript NM_018942.3 (MANE Select); coding-DNA position 562, G replaced by T.
Protein change: p.Ala188Ser; replaces alanine 188 with serine.
Molecular consequence: missense variant. On other transcripts: intron variant (1).
Genome position (GRCh38, 1-based): chr4:8,868,178, C>A on the plus strand (G>T on the coding strand, the complement: HMX1 is on the minus strand). VCF-style: chr4-8868178-C-A. GRCh37 (hg19) VCF-style: chr4-8869904-C-A.
Other names: c.394+3043G>T (NM_001306142.2); short protein forms A188S.
Identifiers: ClinVar variation 2121577 (VCV002121577.4), dbSNP rs1421488990, ClinGen allele CA356278299.